The following is an entry in ClinVar:

NM_001029883.3(PCARE):c.1664T>A (p.Val555Asp)

Gene: PCARE (photoreceptor cilium actin regulator; minus strand). Cytogenetic location: 2p23.2.
Variant type: single nucleotide variant.
Coding change: c.1664T>A on transcript NM_001029883.3 (MANE Select); coding-DNA position 1664, T replaced by A.
Protein change: p.Val555Asp; replaces valine 555 with aspartic acid.
Molecular consequence: missense variant.
Genome position (GRCh38, 1-based): chr2:29,072,598, A>T on the plus strand (T>A on the coding strand, the complement: PCARE is on the minus strand). VCF-style: chr2-29072598-A-T. GRCh37 (hg19) VCF-style: chr2-29295464-A-T.
Other names: short protein forms V555D.
Identifiers: ClinVar variation 1992700 (VCV001992700.4), dbSNP rs1389200647, ClinGen allele CA346479172.
Genomic context (GRCh38, chr2:29,072,598, plus strand): 5'-GGGACCACTGTCCTCCCCTCCTCCTCCTCAGACCAGTCCTGGTGCCCACAGGGCACAGGG[A>T]CAAACTTGATCCTTTCGCTGATTGACTCCTTCATCTTCAGAATCATTTCCTGGGCCTGGA-3'
Protein context (NP_001025054.1, residues 545-565): KESISERIKF[Val555Asp]PVPCGHQDWS

ClinVar aggregate classification (germline): Uncertain significance (1 of 4 stars; one submission).

Allele frequency attached by ClinVar (database versions not stated): gnomAD exomes below 0.00001.

Submission:

Labcorp Genetics (formerly Invitae), Labcorp
Classification: Uncertain significance. Last evaluated: 2025-02-03. Review status: criteria provided, single submitter. Criteria: Invitae Variant Classification Sherloc (09022015). Collection method: clinical testing. Allele origin: germline.
Comment: This sequence change replaces valine, which is neutral and non-polar, with aspartic acid, which is acidic and polar, at codon 555 of the PCARE protein (p.Val555Asp). This variant is present in population databases (no rsID available, gnomAD 0.007%). This variant has not been reported in the literature in individuals affected with PCARE-related conditions. ClinVar contains an entry for this variant (Variation ID: 1992700). An algorithm developed to predict the effect of missense changes on protein structure and function (PolyPhen-2) suggests that this variant is likely to be disruptive. In summary, the available evidence is currently insufficient to determine the role of this variant in disease. Therefore, it has been classified as a Variant of Uncertain Significance.